The following is an entry in ClinVar:

ClinVar aggregate classification (germline): Uncertain significance (1 of 4 stars; one submission).

Allele frequency attached by ClinVar (database versions not stated): ExAC 0.00002; gnomAD 0.00001; ESP Exome Variant Server 0.00008; gnomAD exomes 0.00001.
gnomAD v4.1: 12 of 1,614,044 alleles (0.00074%); highest among the groups gnomAD compares: Admixed American, 0.0017%; no homozygotes.

Submission:

Labcorp Genetics (formerly Invitae), Labcorp
Classification: Uncertain significance. Last evaluated: 2022-07-17. Review status: criteria provided, single submitter. Criteria: Invitae Variant Classification Sherloc (09022015). Collection method: clinical testing. Allele origin: germline.
Comment: This sequence change replaces arginine, which is basic and polar, with glutamine, which is neutral and polar, at codon 109 of the ELOVL1 protein (p.Arg109Gln). This variant is present in population databases (rs369601555, gnomAD 0.003%). This variant has not been reported in the literature in individuals affected with ELOVL1-related conditions. Algorithms developed to predict the effect of missense changes on protein structure and function (SIFT, PolyPhen-2, Align-GVGD) all suggest that this variant is likely to be tolerated. In summary, the available evidence is currently insufficient to determine the role of this variant in disease. Therefore, it has been classified as a Variant of Uncertain Significance.

NM_022821.4(ELOVL1):c.326G>A (p.Arg109Gln)

Gene: ELOVL1 (ELOVL fatty acid elongase 1; minus strand). Cytogenetic location: 1p34.2.
Variant type: single nucleotide variant.
Coding change: c.326G>A on transcript NM_022821.4 (MANE Select); coding-DNA position 326, G replaced by A.
Protein change: p.Arg109Gln; replaces arginine 109 with glutamine.
Molecular consequence: missense variant. On other transcripts: non-coding transcript variant (1).
Genome position (GRCh38, 1-based): chr1:43,364,787, C>T on the plus strand (G>A on the coding strand, the complement: ELOVL1 is on the minus strand). VCF-style: chr1-43364787-C-T. GRCh37 (hg19) VCF-style: chr1-43830458-C-T.
Other names: c.326G>A, p.Arg109Gln (NM_001256399.2); c.245G>A, p.Arg82Gln (NM_001256401.2); c.83G>A, p.Arg28Gln (NM_001256402.2); short protein forms R109Q, R82Q, R28Q.
Identifiers: ClinVar variation 2047477 (VCV002047477.4), dbSNP rs369601555, ClinGen allele CA807631.